The following is an entry in ClinVar:

ClinVar aggregate classification (germline): Uncertain significance (1 of 4 stars; one submission).

Conditions:
Symmetrical dyschromatosis of extremities (DSH). Also called: RETICULATE ACROPIGMENTATION OF DOHI; SYMMETRIC DYSCHROMATOSIS OF THE EXTREMITIES; Dyschromatosis symmetrica hereditaria; DYSCHROMATOSIS SYMMETRICA HEREDITARIA 1. Identifiers: Orphanet 41, MedGen C0406775, MONDO:0007483, OMIM 127400.
Aicardi-Goutieres syndrome 6 (AGS6). Identifiers: Orphanet 51, MedGen C3539013, MONDO:0014007, OMIM 615010.

gnomAD v4.1: 2 of 1,613,994 alleles (0.00012%); highest among the groups gnomAD compares: African/African-American, 0.0013%; no homozygotes.

Submission:

Labcorp Genetics (formerly Invitae), Labcorp
Classification: Uncertain significance for Aicardi-Goutieres syndrome 6; Symmetrical dyschromatosis of extremities. Last evaluated: 2023-02-02. Review status: criteria provided, single submitter. Criteria: Invitae Variant Classification Sherloc (09022015). Collection method: clinical testing. Allele origin: germline.
Comment: This variant has not been reported in the literature in individuals affected with ADAR-related conditions. In summary, the available evidence is currently insufficient to determine the role of this variant in disease. Therefore, it has been classified as a Variant of Uncertain Significance. Algorithms developed to predict the effect of sequence changes on RNA splicing suggest that this variant may create or strengthen a splice site. This variant is not present in population databases (gnomAD no frequency). This sequence change falls in intron 4 of the ADAR gene. It does not directly change the encoded amino acid sequence of the ADAR protein.

NM_001111.5(ADAR):c.1934+8C>G

Gene: ADAR (adenosine deaminase RNA specific; minus strand). Cytogenetic location: 1q21.3.
Variant type: single nucleotide variant.
Coding change: c.1934+8C>G on transcript NM_001111.5 (MANE Select); 8 bases into the intron after coding-DNA position 1934, C replaced by G.
Molecular consequence: intron variant.
Genome position (GRCh38, 1-based): chr1:154,597,820, G>C on the plus strand (C>G on the coding strand, the complement: ADAR is on the minus strand). VCF-style: chr1-154597820-G-C. GRCh37 (hg19) VCF-style: chr1-154570296-G-C.
Other names: c.1049+8C>G (NM_001365046.1, NM_001025107.3, NM_001365048.1 and 3 more transcripts); c.1961+8C>G (NM_001365045.1); c.1934+8C>G (NM_015841.4, NM_015840.4).
Identifiers: ClinVar variation 2199256 (VCV002199256.4), dbSNP rs376025865, ClinGen allele CA889594902.